The following is an entry in ClinVar:

NM_004385.5(VCAN):c.5207C>T (p.Ser1736Phe)

Genes: VCAN (versican; plus strand), VCAN-AS1 (VCAN antisense RNA 1; minus strand). Cytogenetic location: 5q14.3.
Variant type: single nucleotide variant.
Coding change: c.5207C>T on transcript NM_004385.5 (MANE Select); coding-DNA position 5207, C replaced by T.
Protein change: p.Ser1736Phe; replaces serine 1736 with phenylalanine.
Molecular consequence: missense variant. On other transcripts: intron variant (2).
Genome position (GRCh38, 1-based): chr5:83,538,210, C>T. VCF-style: chr5-83538210-C-T. GRCh37 (hg19) VCF-style: chr5-82834029-C-T.
Other names: c.2246C>T, p.Ser749Phe (NM_001164097.2); c.4004-7327C>T (NM_001164098.2); c.1043-7327C>T (NM_001126336.3); short protein forms S749F, S1736F.
Identifiers: ClinVar variation 4724247 (VCV004724247.1).

ClinVar aggregate classification (germline): Uncertain significance (1 of 4 stars; one submission).

Submission:

Labcorp Genetics (formerly Invitae), Labcorp
Classification: Uncertain significance. Last evaluated: 2025-10-01. Review status: criteria provided, single submitter. Criteria: Invitae Variant Classification Sherloc (09022015). Collection method: clinical testing. Allele origin: germline.
Comment: This sequence change replaces serine, which is neutral and polar, with phenylalanine, which is neutral and non-polar, at codon 1736 of the VCAN protein (p.Ser1736Phe). The frequency data for this variant in the population databases is considered unreliable, as metrics indicate poor data quality at this position in the gnomAD database. This variant has not been reported in the literature in individuals affected with VCAN-related conditions. An algorithm developed to predict the effect of missense changes on protein structure and function outputs the following: PolyPhen-2: "Benign". The phenylalanine amino acid residue is found in multiple mammalian species, which suggests that this missense change does not adversely affect protein function. In summary, the available evidence is currently insufficient to determine the role of this variant in disease. Therefore, it has been classified as a Variant of Uncertain Significance.